The following is an entry in ClinVar:

ClinVar aggregate classification (germline): Uncertain significance (1 of 4 stars; one submission).

Conditions:
Developmental and epileptic encephalopathy, 57. Also called: EPILEPTIC ENCEPHALOPATHY, EARLY INFANTILE, 57. Identifiers: MedGen C4540411, MONDO:0033366, OMIM 617771.

Submission:

3billion
Classification: Uncertain significance for Developmental and epileptic encephalopathy, 57. Last evaluated: 2025-10-30. Review status: criteria provided, single submitter. Criteria: ACMG Guidelines, 2015. Collection method: clinical testing. Allele origin: germline. Affected: yes.
Comment: The variant is not observed in the gnomAD v4.1.0 dataset. Predicted Consequence/Location: Frameshift: predicted to result in a loss or disruption of normal protein function through protein truncation. The predicted truncated protein may be shortened by less than 10%. Therefore, this variant is classified as VUS according to the recommendation of ACMG/AMP guideline.

NM_198503.5(KCNT2):c.3301_3302dup (p.Leu1101fs)

Gene: KCNT2 (potassium sodium-activated channel subfamily T member 2; minus strand). Cytogenetic location: 1q31.3.
Variant type: Duplication.
Coding change: c.3301_3302dup on transcript NM_198503.5 (MANE Select); coding-DNA positions 3301 to 3302, 2 bases duplicated (TT; older notation c.3301_3302dupTT).
Protein change: p.Leu1101fs; shifts the reading frame from leucine 1101.
Molecular consequence: frameshift variant. On other transcripts: non-coding transcript variant (2).
Genome position (GRCh38, 1-based): chr1:196,228,330-196,228,331, AA duplicated on the plus strand (TT on the coding strand, the reverse complement: KCNT2 is on the minus strand). VCF-style (leftmost placement, unchanged base first): chr1-196228329-T-TAA. GRCh37 (hg19) VCF-style: chr1-196197459-T-TAA.
Other names: c.3100_3101dup, p.Leu1034fs (NM_001287820.3); c.3229_3230dup, p.Leu1077fs (NM_001287819.3); short protein forms L1034fs, L1077fs, L1101fs.
Identifiers: ClinVar variation 4854631 (VCV004854631.1).